The following is an entry in ClinVar:

NM_031407.7(HUWE1):c.7477A>G (p.Ile2493Val)

Genes: HUWE1 (HECT, UBA and WWE domain containing E3 ubiquitin protein ligase 1; minus strand), LOC126863262 (MED14-independent group 3 enhancer GRCh37_chrX:53588722-53589921; plus strand). Cytogenetic location: Xp11.22.
Variant type: single nucleotide variant.
Coding change: c.7477A>G on transcript NM_031407.7 (MANE Select); coding-DNA position 7477, A replaced by G.
Protein change: p.Ile2493Val; replaces isoleucine 2493 with valine.
Molecular consequence: missense variant. On other transcripts: intron variant (1).
Genome position (GRCh38, 1-based): chrX:53,561,786, T>C on the plus strand (A>G on the coding strand, the complement: HUWE1 is on the minus strand). VCF-style: chrX-53561786-T-C. GRCh37 (hg19) VCF-style: chrX-53588747-T-C.
Other names: c.7474A>G, p.Ile2492Val (NM_001441048.1, NM_001441051.1, NM_001441053.1 and 2 more transcripts); c.7477A>G, p.Ile2493Val (NM_001441049.1, NM_001441054.1, NM_001441057.1); c.7498A>G, p.Ile2500Val (NM_001441050.1, NM_001441055.1); c.7106-1370A>G (NM_001441052.1); short protein forms I2492V, I2500V, I2493V.
Identifiers: ClinVar variation 5009130 (VCV005009130.1).

ClinVar aggregate classification (germline): Uncertain significance (1 of 4 stars; one submission).

gnomAD v4.1: 9 of 1,211,044 alleles (0.00074%); highest among the groups gnomAD compares: Non-Finnish European, 0.001%; no homozygotes.

Submission:

GeneDx
Classification: Uncertain significance. Last evaluated: 2026-03-19. Review status: criteria provided, single submitter. Criteria: GeneDx Variant Classification Process June 2021. Collection method: clinical testing. Allele origin: germline.
Comment: In silico analysis suggests that this missense variant does not alter protein structure/function; Has not been previously published as pathogenic or benign to our knowledge